The following is an entry in ClinVar:

ClinVar aggregate classification (germline): Uncertain significance (1 of 4 stars; one submission).

Conditions:
Severe early-onset pulmonary alveolar proteinosis due to MARS deficiency. Also called: PULMONARY ALVEOLAR PROTEINOSIS, REUNION ISLAND; Interstitial lung and liver disease. Identifiers: Orphanet 440427, MedGen C4225400, MONDO:0014206, OMIM 615486.
Charcot-Marie-Tooth disease axonal type 2U. Also called: CHARCOT-MARIE-TOOTH NEUROPATHY, TYPE 2U; CHARCOT-MARIE-TOOTH DISEASE, AXONAL, AUTOSOMAL DOMINANT, TYPE 2U. Identifiers: Orphanet 397735, MedGen C4084821, MONDO:0014566, OMIM 616280.

Submission:

Labcorp Genetics (formerly Invitae), Labcorp
Classification: Uncertain significance for Charcot-Marie-Tooth disease axonal type 2U; Severe early-onset pulmonary alveolar proteinosis due to MARS deficiency. Last evaluated: 2023-09-08. Review status: criteria provided, single submitter. Criteria: Invitae Variant Classification Sherloc (09022015). Collection method: clinical testing. Allele origin: germline.
Comment: In summary, the available evidence is currently insufficient to determine the role of this variant in disease. Therefore, it has been classified as a Variant of Uncertain Significance. This sequence change creates a premature translational stop signal (p.Ile343Leufs*5) in the MARS gene. It is expected to result in an absent or disrupted protein product. However, the current clinical and genetic evidence is not sufficient to establish whether loss-of-function variants in MARS cause disease. This variant is not present in population databases (gnomAD no frequency). This variant has not been reported in the literature in individuals affected with MARS-related conditions.

NM_004990.4(MARS1):c.1027_1028del (p.Ile343fs)

Gene: MARS1 (methionyl-tRNA synthetase 1; plus strand). Cytogenetic location: 12q13.3.
Variant type: Deletion.
Coding change: c.1027_1028del on transcript NM_004990.4 (MANE Select); coding-DNA positions 1027 to 1028, 2 bases deleted (AT; older notation c.1027_1028delAT).
Protein change: p.Ile343fs; shifts the reading frame from isoleucine 343.
Molecular consequence: frameshift variant.
Genome position (GRCh38, 1-based): chr12:57,498,559-57,498,560, AT deleted. VCF-style (leftmost placement, unchanged base first): chr12-57498558-CAT-C. GRCh37 (hg19) VCF-style: chr12-57892341-CAT-C.
Other names: short protein forms I343fs.
Identifiers: ClinVar variation 2951701 (VCV002951701.3), dbSNP rs2540287011, ClinGen allele CA2740092405.
Genomic context (GRCh38, chr12:57,498,558, plus strand): 5'-TCTGGAGGAGGGACTAACCCCCCAGGAGATCTGCGACAAGTACCACATCATCCATGCTGA[CAT>C]CTACCGCTGGTTTAACATTTCGTTTGATATTTTTGGTCGCACCACCACTCCACAGCAGAC-3'